The following is an entry in ClinVar:

NM_022042.4(SLC26A1):c.775G>A (p.Ala259Thr)

Genes: IDUA (alpha-L-iduronidase; plus strand), SLC26A1 (solute carrier family 26 member 1; minus strand). Cytogenetic location: 4p16.3.
Variant type: single nucleotide variant.
Coding change: c.775G>A on transcript NM_022042.4 (MANE Select); coding-DNA position 775, G replaced by A.
Protein change: p.Ala259Thr; replaces alanine 259 with threonine.
Molecular consequence: missense variant. On other transcripts: intron variant (2).
Genome position (GRCh38, 1-based): chr4:990,164, C>T on the plus strand (G>A on the coding strand, the complement: SLC26A1 is on the minus strand). VCF-style: chr4-990164-C-T. GRCh37 (hg19) VCF-style: chr4-983952-C-T.
Other names: c.775G>A (NM_213613.2); c.775G>A, p.Ala259Thr (NM_213613.4); c.576+964G>A (NM_134425.4); c.299+2215C>T (NM_000203.5); short protein forms A259T.
Identifiers: ClinVar variation 1957656 (VCV001957656.6), dbSNP rs766772829, ClinGen allele CA2801548.
Genomic context (GRCh38, chr4:990,164, plus strand): 5'-CCTTCGCGGCTAGCAGCACCGCCAGGCACACCGTGCTGGTGACCACGTCGCACACGTTGG[C>T]CTGCCCGGCGCCGCGCAGCAGGCTCAGCCATGTGAGGACCACCATGCCGGGCCCCTGGTG-3'
Protein context (NP_071325.2, residues 249-269): WLSLLRGAGQ[Ala259Thr]NVCDVVTSTV

ClinVar aggregate classification (germline): Uncertain significance. Review status: criteria provided, multiple submitters, no conflicts (2 of 4 stars). 2 submissions from 2 submitters: Uncertain significance (2). Last evaluated 2025-02-19.

Conditions:
Inborn genetic diseases. Identifiers: MedGen C0950123, MeSH D030342.

Allele frequency attached by ClinVar (database versions not stated): gnomAD 0.00001; gnomAD exomes 0.00001; TOPMed 0.00001.

Submissions (2):

Ambry Genetics
Classification: Uncertain significance for Inborn genetic diseases. Last evaluated: 2025-02-19. Review status: criteria provided, single submitter. Criteria: Ambry Variant Classification Scheme 2023. Collection method: clinical testing. Allele origin: germline.

Labcorp Genetics (formerly Invitae), Labcorp
Classification: Uncertain significance. Last evaluated: 2022-06-26. Review status: criteria provided, single submitter. Criteria: Invitae Variant Classification Sherloc (09022015). Collection method: clinical testing. Allele origin: germline.
Comment: In summary, the available evidence is currently insufficient to determine the role of this variant in disease. Therefore, it has been classified as a Variant of Uncertain Significance. Algorithms developed to predict the effect of missense changes on protein structure and function are either unavailable or do not agree on the potential impact of this missense change (SIFT: "Tolerated"; PolyPhen-2: "Possibly Damaging"; Align-GVGD: "Class C0"). This variant has not been reported in the literature in individuals affected with SLC26A1-related conditions. This variant is not present in population databases (gnomAD no frequency). This sequence change replaces alanine, which is neutral and non-polar, with threonine, which is neutral and polar, at codon 259 of the SLC26A1 protein (p.Ala259Thr).